The following is an entry in ClinVar:

NM_022173.4(TIA1):c.726A>T (p.Glu242Asp)

Gene: TIA1 (TIA1 cytotoxic granule associated RNA binding protein; minus strand). Cytogenetic location: 2p13.3.
Variant type: single nucleotide variant.
Coding change: c.726A>T on transcript NM_022173.4 (MANE Select); coding-DNA position 726, A replaced by T.
Protein change: p.Glu242Asp; replaces glutamic acid 242 with aspartic acid.
Molecular consequence: missense variant. On other transcripts: non-coding transcript variant (17).
Genome position (GRCh38, 1-based): chr2:70,216,246, T>A on the plus strand (A>T on the coding strand, the complement: TIA1 is on the minus strand). VCF-style: chr2-70216246-T-A. GRCh37 (hg19) VCF-style: chr2-70443378-T-A.
Other names: c.726A>T, p.Glu242Asp (NM_001351508.2, NM_001351516.2); c.699A>T, p.Glu233Asp (NM_001351509.2); c.693A>T, p.Glu231Asp (NM_001351510.2, NM_022037.4); c.615A>T, p.Glu205Asp (NM_001351511.1); c.588A>T, p.Glu196Asp (NM_001351512.1); c.582A>T, p.Glu194Asp (NM_001351513.1); c.498A>T, p.Glu166Asp (NM_001351514.2); c.423A>T, p.Glu141Asp (NM_001351515.2); and 1 more; short protein forms E205D, E231D, E102D, E194D, E196D, E141D, E166D, E233D.
Identifiers: ClinVar variation 3701488 (VCV003701488.2).

ClinVar aggregate classification (germline): Uncertain significance (1 of 4 stars; one submission).

Conditions:
Welander distal myopathy (WDM). Also called: Gower's muscular dystrophy; Welander distal myopathy, Swedish type; Distal myopathy, Swedish type; MUSCULAR DYSTROPHY, DISTAL, LATE-ONSET, AUTOSOMAL DOMINANT. Identifiers: Orphanet 603, MedGen C0221054, MONDO:0011466, OMIM 604454.

Submission:

Labcorp Genetics (formerly Invitae), Labcorp
Classification: Uncertain significance for Welander distal myopathy. Last evaluated: 2025-01-20. Review status: criteria provided, single submitter. Criteria: Invitae Variant Classification Sherloc (09022015). Collection method: clinical testing. Allele origin: germline.
Comment: This sequence change replaces glutamic acid, which is acidic and polar, with aspartic acid, which is acidic and polar, at codon 242 of the TIA1 protein (p.Glu242Asp). This variant is present in population databases (rs759717851, gnomAD 0.0009%). This variant has not been reported in the literature in individuals affected with TIA1-related conditions. Invitae Evidence Modeling of protein sequence and biophysical properties (such as structural, functional, and spatial information, amino acid conservation, physicochemical variation, residue mobility, and thermodynamic stability) indicates that this missense variant is not expected to disrupt TIA1 protein function with a negative predictive value of 80%. In summary, the available evidence is currently insufficient to determine the role of this variant in disease. Therefore, it has been classified as a Variant of Uncertain Significance.